The following is an entry in ClinVar:

ClinVar aggregate classification (germline): Uncertain significance (1 of 4 stars; one submission).

Conditions:
Hereditary cancer-predisposing syndrome. Also called: Neoplastic Syndromes, Hereditary; Tumor predisposition; Hereditary Cancer Syndrome; Hereditary neoplastic syndrome. Identifiers: Orphanet 140162, MedGen C0027672, MeSH D009386, MONDO:0015356.

gnomAD v4.1: 1 of 1,614,138 alleles (0.000062%); highest among the groups gnomAD compares: East Asian, 0.0022%; no homozygotes.

Submission:

Ambry Genetics
Classification: Uncertain significance for Hereditary cancer-predisposing syndrome. Last evaluated: 2020-05-05. Review status: criteria provided, single submitter. Criteria: Ambry Variant Classification Scheme 2023. Collection method: clinical testing. Allele origin: germline.
Comment: The p.G680R variant (also known as c.2038G>C), located in coding exon 5 of the PALB2 gene, results from a G to C substitution at nucleotide position 2038. The glycine at codon 680 is replaced by arginine, an amino acid with dissimilar properties. This amino acid position is not well conserved in available vertebrate species. In addition, this alteration is predicted to be tolerated by in silico analysis. Since supporting evidence is limited at this time, the clinical significance of this alteration remains unclear.

NM_024675.4(PALB2):c.2038G>C (p.Gly680Arg)

Gene: PALB2 (partner and localizer of BRCA2; minus strand). Cytogenetic location: 16p12.2.
Variant type: single nucleotide variant.
Coding change: c.2038G>C on transcript NM_024675.4 (MANE Select); coding-DNA position 2038, G replaced by C.
Protein change: p.Gly680Arg; replaces glycine 680 with arginine.
Molecular consequence: missense variant.
Genome position (GRCh38, 1-based): chr16:23,630,116, C>G on the plus strand (G>C on the coding strand, the complement: PALB2 is on the minus strand). VCF-style: chr16-23630116-C-G. GRCh37 (hg19) VCF-style: chr16-23641437-C-G.
Other names: c.1978G>C, p.Gly660Arg (NM_001407296.1); c.2038G>C, p.Gly680Arg (NM_001407297.1, NM_001407298.1, NM_001407299.1 and 3 more transcripts); c.1153G>C, p.Gly385Arg (NM_001407304.1, NM_001407305.1, NM_001407306.1 and 5 more transcripts); c.250G>C, p.Gly84Arg (NM_001407312.1, NM_001407313.1); short protein forms G385R, G680R, G660R, G84R.
Identifiers: ClinVar variation 1784851 (VCV001784851.2), dbSNP rs1223755856, ClinGen allele CA395126916.